The following is an entry in ClinVar:

ClinVar aggregate classification (germline): Likely benign. Review status: criteria provided, single submitter (1 of 4 stars). 2 submissions from 2 submitters: Likely benign (1). 1 of the submissions does not count toward it. Last evaluated 2024-03-21.

Conditions:
DYNC1H1-related disorder. Also called: DYNC1H1-related condition; DYNC1H1-related disorders. Identifiers: MedGen CN381529.
Charcot-Marie-Tooth disease axonal type 2O. Also called: Charcot-Marie-Tooth disease, axonal, type 20; CHARCOT-MARIE-TOOTH NEUROPATHY, AXONAL, TYPE 2O; CHARCOT-MARIE-TOOTH DISEASE, AXONAL, AUTOSOMAL DOMINANT, TYPE 2O; Charcot-Marie-Tooth Neuropathy Type 2O. Identifiers: Orphanet 284232, MedGen C3280220, MONDO:0013644, OMIM 614228.

Allele frequency attached by ClinVar (database versions not stated): gnomAD 0.00007.
gnomAD v4.1: 19 of 1,614,088 alleles (0.0012%); highest among the groups gnomAD compares: Admixed American, 0.032%; no homozygotes.

Submissions (2):

Labcorp Genetics (formerly Invitae), Labcorp
Classification: Likely benign for Charcot-Marie-Tooth disease axonal type 2O. Last evaluated: 2024-03-21. Review status: criteria provided, single submitter. Criteria: Invitae Variant Classification Sherloc (09022015). Collection method: clinical testing. Allele origin: germline.

PreventionGenetics, part of Exact Sciences
Classification: Likely benign for DYNC1H1-related condition. Last evaluated: 2023-02-07. Review status: no assertion criteria provided. Collection method: clinical testing. Allele origin: germline. Not counted in ClinVar's aggregate classification.
Comment: This variant is classified as likely benign based on ACMG/AMP sequence variant interpretation guidelines (Richards et al. 2015 PMID: 25741868, with internal and published modifications).

NM_001376.5(DYNC1H1):c.1110A>C (p.Thr370=)

Gene: DYNC1H1 (dynein cytoplasmic 1 heavy chain 1; plus strand). Cytogenetic location: 14q32.31.
Variant type: single nucleotide variant.
Coding change: c.1110A>C on transcript NM_001376.5 (MANE Select); coding-DNA position 1110, A replaced by C.
Protein change: p.Thr370=; no amino-acid change (threonine 370 retained).
Molecular consequence: synonymous variant.
Genome position (GRCh38, 1-based): chr14:101,983,167, A>C. VCF-style: chr14-101983167-A-C. GRCh37 (hg19) VCF-style: chr14-102449504-A-C.
Identifiers: ClinVar variation 2043088 (VCV002043088.6), dbSNP rs757687354, ClinGen allele CA266978448.